The following is an entry in ClinVar:

NM_004773.4(ZNHIT3):c.21C>T (p.Ser7=)

Gene: ZNHIT3 (zinc finger HIT-type containing 3; plus strand). Cytogenetic location: 17q12.
Variant type: single nucleotide variant.
Coding change: c.21C>T on transcript NM_004773.4 (MANE Select); coding-DNA position 21, C replaced by T.
Protein change: p.Ser7=; no amino-acid change (serine 7 retained).
Molecular consequence: synonymous variant. On other transcripts: non-coding transcript variant (3).
Genome position (GRCh38, 1-based): chr17:36,486,720, C>T. VCF-style: chr17-36486720-C-T. GRCh37 (hg19) VCF-style: chr17-34842564-C-T.
Other names: c.21C>T, p.Ser7= (NM_001281432.2, NM_001281433.2, NM_001281434.2).
Identifiers: ClinVar variation 784743 (VCV000784743.8), dbSNP rs112194209, ClinGen allele CA289920079.
Genomic context (GRCh38, chr17:36,486,720, plus strand): 5'-GCGCGCGGCGGCGCAGTGAACAGTCTCCTTCCACAAAACCATGGCGTCGCTCAAATGTAG[C>T]ACCGTCGTCTGCGTGATCTGCTTGGAGAAGCCCAAATACCGCTGTCCAGCCTGCCGCGTG-3'
Protein context (NP_004764.1, residues 1-17): MASLKC[Ser7=]TVVCVICLEK

ClinVar aggregate classification (germline): Benign/Likely benign. Review status: criteria provided, multiple submitters, no conflicts (2 of 4 stars). 4 submissions from 4 submitters: Benign (2); Likely benign (1). 1 of the submissions does not count toward it. Last evaluated 2021-09-27.

Conditions:
ZNHIT3-related disorder. Also called: ZNHIT3-related condition.
PEHO syndrome (PEHO). Also called: PROGRESSIVE ENCEPHALOPATHY WITH EDEMA, HYPSARRHYTHMIA, AND OPTIC ATROPHY. Identifiers: Orphanet 2836, Orphanet 99807, MedGen C1850055, MONDO:0009841, OMIM 260565.

Allele frequency attached by ClinVar (database versions not stated): gnomAD 0.01097 and 0.01169; TOPMed 0.01203; 1000 Genomes Project 0.01458; gnomAD exomes 0.00292; ExAC 0.00366; ESP Exome Variant Server 0.01322; 1000 Genomes Project 30x 0.01624.
gnomAD v4.1: 3,223 of 1,613,928 alleles (0.2%); highest among the groups gnomAD compares: African/African-American, 3.5%; 51 homozygotes.

Submissions (4):

Fulgent Genetics
Classification: Likely benign for PEHO syndrome. Last evaluated: 2021-09-27. Review status: criteria provided, single submitter. Criteria: ACMG Guidelines, 2015. Collection method: clinical testing. Allele origin: unknown.

Labcorp Genetics (formerly Invitae), Labcorp
Classification: Benign. Last evaluated: 2019-12-31. Review status: criteria provided, single submitter. Criteria: Invitae Variant Classification Sherloc (09022015). Collection method: clinical testing. Allele origin: germline.

Breakthrough Genomics
Classification: Benign. Review status: criteria provided, single submitter. Criteria: ACMG Guidelines, 2015. Collection method: not provided. Allele origin: germline. Inheritance: Autosomal recessive inheritance. Affected: yes.

PreventionGenetics, part of Exact Sciences
Classification: Benign for ZNHIT3-related condition. Last evaluated: 2019-07-01. Review status: no assertion criteria provided. Collection method: clinical testing. Allele origin: germline. Not counted in ClinVar's aggregate classification.
Comment: This variant is classified as benign based on ACMG/AMP sequence variant interpretation guidelines (Richards et al. 2015 PMID: 25741868, with internal and published modifications).